The following is an entry in ClinVar:

ClinVar aggregate classification (germline): Pathogenic (1 of 4 stars; one submission).

Conditions:
Multiple endocrine neoplasia, type 1 (MEN1). Also called: WERMER SYNDROME; Endocrine adenomatosis multiple; MEN 1; MEA I; MEN I. Identifiers: Orphanet 652, MedGen C0025267, MeSH D018761, MONDO:0007540, OMIM 131100.

Submission:

Labcorp Genetics (formerly Invitae), Labcorp
Classification: Pathogenic for Multiple endocrine neoplasia, type 1. Last evaluated: 2023-08-10. Review status: criteria provided, single submitter. Criteria: Invitae Variant Classification Sherloc (09022015). Collection method: clinical testing. Allele origin: germline.
Comment: This sequence change replaces alanine, which is neutral and non-polar, with glutamic acid, which is acidic and polar, at codon 284 of the MEN1 protein (p.Ala284Glu). For these reasons, this variant has been classified as Pathogenic. Advanced modeling of protein sequence and biophysical properties (such as structural, functional, and spatial information, amino acid conservation, physicochemical variation, residue mobility, and thermodynamic stability) performed at Invitae indicates that this missense variant is expected to disrupt MEN1 protein function. ClinVar contains an entry for this variant (Variation ID: 573892). This missense change has been observed in individuals with MEN1-related tumors (PMID: 9463336, 15635078, 19953642; Invitae). It has also been observed to segregate with disease in related individuals. This variant is not present in population databases (gnomAD no frequency).

Literature cited by the submitters: PubMed 9463336; PubMed 15635078; PubMed 19953642.

NM_001370259.2(MEN1):c.851C>A (p.Ala284Glu)

Gene: MEN1 (menin 1; minus strand). Cytogenetic location: 11q13.1.
Variant type: single nucleotide variant.
Coding change: c.851C>A on transcript NM_001370259.2 (MANE Select); coding-DNA position 851, C replaced by A.
Protein change: p.Ala284Glu; replaces alanine 284 with glutamic acid.
Molecular consequence: missense variant.
Genome position (GRCh38, 1-based): chr11:64,807,072, G>T on the plus strand (C>A on the coding strand, the complement: MEN1 is on the minus strand). VCF-style: chr11-64807072-G-T. GRCh37 (hg19) VCF-style: chr11-64574544-G-T.
Other names: c.851C>A, p.Ala284Glu (NM_001370261.2, NM_130799.3, NM_001370251.2 and 1 more transcripts); c.746C>A, p.Ala249Glu (NM_001370262.2, NM_001370263.2); c.866C>A, p.Ala289Glu (NM_130800.3, NM_130801.3, NM_130802.3 and 3 more transcripts); short protein forms A284E, A289E, A249E.
Identifiers: ClinVar variation 573892 (VCV000573892.9), dbSNP rs1565645563, ClinGen allele CA381183654.
Genomic context (GRCh38, chr11:64,807,072, plus strand): 5'-TTGTGGTAGAGGGTGAGTGGGTCTGGCCGGCCAGGGGTGGGCTCCAGCTCCTCTAGATCT[G>T]CCAGGTTCCCTAAGGCCATGGGGTACCTAGGAAAGGATCATAATTCAGGCTGCCACCCAG-3'
Protein context (NP_001357188.2, residues 274-294): ERYPMALGNL[Ala284Glu]DLEELEPTPG